The following is an entry in ClinVar:

ClinVar aggregate classification (germline): Uncertain significance (1 of 4 stars; one submission).

Submission:

Labcorp Genetics (formerly Invitae), Labcorp
Classification: Uncertain significance. Last evaluated: 2022-07-26. Review status: criteria provided, single submitter. Criteria: Invitae Variant Classification Sherloc (09022015). Collection method: clinical testing. Allele origin: germline.
Comment: Algorithms developed to predict the effect of missense changes on protein structure and function are either unavailable or do not agree on the potential impact of this missense change (SIFT: "Not Available"; PolyPhen-2: "Benign"; Align-GVGD: "Not Available"). This sequence change replaces aspartic acid, which is acidic and polar, with glycine, which is neutral and non-polar, at codon 955 of the SEC24D protein (p.Asp955Gly). This variant is not present in population databases (gnomAD no frequency). This variant has not been reported in the literature in individuals affected with SEC24D-related conditions. Algorithms developed to predict the effect of sequence changes on RNA splicing suggest that this variant may create or strengthen a splice site. In summary, the available evidence is currently insufficient to determine the role of this variant in disease. Therefore, it has been classified as a Variant of Uncertain Significance.

NM_014822.4(SEC24D):c.2864A>G (p.Asp955Gly)

Gene: SEC24D (SEC24 homolog D, COPII component; minus strand). Cytogenetic location: 4q26.
Variant type: single nucleotide variant.
Coding change: c.2864A>G on transcript NM_014822.4 (MANE Select); coding-DNA position 2864, A replaced by G.
Protein change: p.Asp955Gly; replaces aspartic acid 955 with glycine.
Molecular consequence: missense variant.
Genome position (GRCh38, 1-based): chr4:118,731,320, T>C on the plus strand (A>G on the coding strand, the complement: SEC24D is on the minus strand). VCF-style: chr4-118731320-T-C. GRCh37 (hg19) VCF-style: chr4-119652475-T-C.
Other names: c.2867A>G, p.Asp956Gly (NM_001318066.2); short protein forms D955G, D956G.
Identifiers: ClinVar variation 1949681 (VCV001949681.5), dbSNP rs112121576, ClinGen allele CA104642979.